The following is an entry in ClinVar:

NM_003179.3(SYP):c.434C>T (p.Ala145Val)

Genes: SYP (synaptophysin; minus strand), LOC119407421 (CRISPRi-FlowFISH-validated PLP2 regulatory element 13; plus strand). Cytogenetic location: Xp11.23.
Variant type: single nucleotide variant.
Coding change: c.434C>T on transcript NM_003179.3 (MANE Select); coding-DNA position 434, C replaced by T.
Protein change: p.Ala145Val; replaces alanine 145 with valine.
Molecular consequence: missense variant.
Genome position (GRCh38, 1-based): chrX:49,193,453, G>A on the plus strand (C>T on the coding strand, the complement: SYP is on the minus strand). VCF-style: chrX-49193453-G-A. GRCh37 (hg19) VCF-style: chrX-49049910-G-A.
Other names: short protein forms A145V.
Identifiers: ClinVar variation 1739921 (VCV001739921.2), dbSNP rs1467612174, ClinGen allele CA412953230.

ClinVar aggregate classification (germline): Uncertain significance (1 of 4 stars; one submission).

Conditions:
Inborn genetic diseases. Identifiers: MedGen C0950123, MeSH D030342.

Allele frequency attached by ClinVar (database versions not stated): gnomAD 0.00001; gnomAD exomes 0.00001; TOPMed 0.00003.
gnomAD v4.1: 7 of 1,210,798 alleles (0.00058%); highest among the groups gnomAD compares: Non-Finnish European, 0.00078%; no homozygotes.

Submission:

Ambry Genetics
Classification: Uncertain significance for Inborn genetic diseases. Last evaluated: 2015-03-30. Review status: criteria provided, single submitter. Criteria: Ambry Variant Classification Scheme 2023. Collection method: clinical testing. Allele origin: germline.
Comment: The p.A145V variant (also known as c.434C>T), located in coding exon 5 of the SYP gene, results from a C to T substitution at nucleotide position 434. The alanine at codon 145 is replaced by valine, an amino acid with similar properties. This variant was not reported in population based cohorts in the following databases: Database of Single Nucleotide Polymorphisms (dbSNP), NHLBI Exome Sequencing Project (ESP), and 1000 Genomes Project. In the ESP, this variant was not observed in 6502 samples with coverage at this position. This amino acid position is not conserved on species alignment with the valine substitution observed in seven species from opossum through fish. In addition, this alteration is predicted to be tolerated by in silico analysis. Since supporting evidence is limited at this time, the clinical significance of this variant remains unclear.